The following is an entry in ClinVar:

ClinVar aggregate classification (germline): Uncertain significance (1 of 4 stars; one submission).

Allele frequency attached by ClinVar (database versions not stated): TOPMed below 0.00001; ExAC 0.00001; gnomAD 0.00001; gnomAD exomes 0.00003.
gnomAD v4.1: 41 of 1,613,004 alleles (0.0025%); highest among the groups gnomAD compares: Non-Finnish European, 0.0034%; no homozygotes.

Submission:

Ambry Genetics
Classification: Uncertain significance. Last evaluated: 2025-09-04. Review status: criteria provided, single submitter. Criteria: Ambry Variant Classification Scheme 2023. Collection method: clinical testing. Allele origin: germline.
Comment: The p.P7T variant (also known as c.19C>A), located in coding exon 1 of the STAP1 gene, results from a C to A substitution at nucleotide position 19. The proline at codon 7 is replaced by threonine, an amino acid with highly similar properties. This amino acid position is conserved. In addition, this alteration is predicted to be tolerated by in silico analysis. Based on the available evidence, the clinical significance of this variant remains unclear.

NM_012108.4(STAP1):c.19C>A (p.Pro7Thr)

Gene: STAP1 (signal transducing adaptor family member 1; plus strand). Cytogenetic location: 4q13.2.
Variant type: single nucleotide variant.
Coding change: c.19C>A on transcript NM_012108.4 (MANE Select); coding-DNA position 19, C replaced by A.
Protein change: p.Pro7Thr; replaces proline 7 with threonine.
Molecular consequence: missense variant.
Genome position (GRCh38, 1-based): chr4:67,558,828, C>A. VCF-style: chr4-67558828-C-A. GRCh37 (hg19) VCF-style: chr4-68424546-C-A.
Other names: c.19C>A, p.Pro7Thr (NM_001317769.2); short protein forms P7T.
Identifiers: ClinVar variation 2545333 (VCV002545333.3), dbSNP rs777354386, ClinGen allele CA2937415.
Genomic context (GRCh38, chr4:67,558,828, plus strand): 5'-TGTTTGAGACGAGAAACCAAACCACACACCAAAGAGAGGGGTATGATGGCTAAGAAGCCC[C>A]CAAAACCAGCCCCTCGCAGGATCTTCCAGGAAAGGTTAAAGATTACTGCTCTACCTTTGT-3'
Protein context (NP_036240.1, residues 1-17): MMAKKP[Pro7Thr]KPAPRRIFQE